The following is an entry in ClinVar:

ClinVar aggregate classification (germline): Uncertain significance (1 of 4 stars; one submission).

Conditions:
Pierpont syndrome (PRPTS). Identifiers: Orphanet 487825, MedGen C1865644, MONDO:0011213, OMIM 602342.

Submission:

3billion
Classification: Uncertain significance for Pierpont syndrome. Last evaluated: 2022-01-03. Review status: criteria provided, single submitter. Criteria: ACMG Guidelines, 2015. Collection method: clinical testing. Allele origin: germline. Affected: yes. Observed: 1 heterozygote.
Comment: The variant not observed in the gnomAD v2.1.1 dataset (PM2_M). In silico tool predictions suggest damaging effect of the variant on gene or gene product (3CNET: 0.863, PP3_P). A missense variant is a common mechanism associated with Pierpont syndrome (PP2_P). Therefore, this variant is classified as uncertain significance according to the recommendation of ACMG/AMP guideline.

NM_024665.7(TBL1XR1):c.1270G>A (p.Val424Ile)

Gene: TBL1XR1 (TBL1X/Y related 1; minus strand). Cytogenetic location: 3q26.32.
Variant type: single nucleotide variant.
Coding change: c.1270G>A on transcript NM_024665.7 (MANE Select); coding-DNA position 1270, G replaced by A.
Protein change: p.Val424Ile; replaces valine 424 with isoleucine.
Molecular consequence: missense variant.
Genome position (GRCh38, 1-based): chr3:177,033,117, C>T on the plus strand (G>A on the coding strand, the complement: TBL1XR1 is on the minus strand). VCF-style: chr3-177033117-C-T. GRCh37 (hg19) VCF-style: chr3-176750905-C-T.
Other names: c.1270G>A, p.Val424Ile (NM_001321193.3, NM_001321194.3, NM_001374327.1 and 2 more transcripts); c.1009G>A, p.Val337Ile (NM_001321195.3, NM_001374330.1); short protein forms V337I, V424I.
Identifiers: ClinVar variation 1333317 (VCV001333317.1), dbSNP rs753008616, ClinGen allele CA355554513.
Genomic context (GRCh38, chr3:177,033,117, plus strand): 5'-GCTCTTGGTGTTTTGTCAAGGTATGGATGCATATCCCTCGGTCTACATCCCATAACCTAA[C>T]AGTAGAATCAAAGGATGCACTGAAAAAGGAAGGAAAGAAAGTTAATTTATAAGTAAGGAA-3'
Protein context (NP_078941.2, residues 414-434): MLASASFDST[Val424Ile]RLWDVDRGIC